The following is an entry in ClinVar:

NM_001754.5(RUNX1):c.219C>T (p.Ser73=)

Gene: RUNX1 (RUNX family transcription factor 1; minus strand). Cytogenetic location: 21q22.12.
Variant type: single nucleotide variant.
Coding change: c.219C>T on transcript NM_001754.5 (MANE Select); coding-DNA position 219, C replaced by T.
Protein change: p.Ser73=; no amino-acid change (serine 73 retained).
Molecular consequence: synonymous variant.
Genome position (GRCh38, 1-based): chr21:34,886,975, G>A on the plus strand (C>T on the coding strand, the complement: RUNX1 is on the minus strand). VCF-style: chr21-34886975-G-A. GRCh37 (hg19) VCF-style: chr21-36259272-G-A.
Other names: c.138C>T, p.Ser46= (NM_001001890.3, NM_001122607.2); c.219C>T (NM_001754.4).
Identifiers: ClinVar variation 532675 (VCV000532675.13), dbSNP rs1157495777, ClinGen allele CA512318910.
Genomic context (GRCh38, chr21:34,886,975, plus strand): 5'-GTCGGTGCGCACCAGCTCGCCCGGGTGGTCGGCCAGCACCTCCACCATGCTGCGGTCGCC[G>A]CTCCTCAGCTTGCCGGCCAGGGCAGCGCCGGCGTCCGGGGCGCCCAGCGGCAACGCCTCG-3'
Protein context (NP_001745.2, residues 63-83): AGAALAGKLR[Ser73=]GDRSMVEVLA

ClinVar aggregate classification (germline): Likely benign. Review status: reviewed by expert panel (3 of 4 stars). 3 submissions from 3 submitters: Likely benign (1). 2 of the submissions do not count toward it. Last evaluated 2020-04-10.

Conditions:
Inborn genetic diseases. Identifiers: MedGen C0950123, MeSH D030342.
Hereditary thrombocytopenia and hematologic cancer predisposition syndrome. Identifiers: Orphanet 71290, MedGen CN281654, MONDO:0011071.
Hereditary thrombocytopenia and hematological cancer predisposition syndrome associated with RUNX1. Also called: Familial Platelet Disorder with Propensity to Acute Myelogenous Leukemia; Familial thrombocytopenia with propensity to acute myelogenous leukemia; RUNX1 Familial Platelet Disorder with Associated Myeloid Malignancies; PLATELET DISORDER, ASPIRIN-LIKE. Identifiers: Orphanet 71290, MedGen C1832388, MeSH C563324, MONDO:0100083, OMIM 601399.

Allele frequency attached by ClinVar (database versions not stated): gnomAD exomes below 0.00001.
gnomAD v4.1: 2 of 1,609,404 alleles (0.00012%); highest among the groups gnomAD compares: Admixed American, 0.0017%; no homozygotes.

Submissions (3):

ClinGen Myeloid Malignancy Variant Curation Expert Panel
Classification: Likely benign for Hereditary thrombocytopenia and hematologic cancer predisposition syndrome. Last evaluated: 2020-04-10. Review status: reviewed by expert panel. Criteria: ClinGen MyeloMalig ACMG Specifications v1. Collection method: curation. Allele origin: germline. Inheritance: Autosomal dominant inheritance.
Comment: This synonymous variant is predicted by SSF and MES to lead to either an increase in the canonical splice site score or a decrease of the canonical splice site score by no more than 10% and no putative cryptic splice sites are created; in addition, evolutionary conservation prediction algorithms predict the site as not being highly conserved (PhyloP score 0.04 < 0.1[-14.1;6.4]) (BP4+BP7). In summary, this variant meets criteria to be classified as likely benign. ACMG/AMP criteria applied, as specified by the ClinGen Myeloid Malignancy Variant Curation Expert Panel for RUNX1: BP4 and BP7.

Ambry Genetics
Classification: Likely benign for Inborn genetic diseases. Last evaluated: 2024-12-04. Review status: criteria provided, single submitter. Criteria: Ambry Variant Classification Scheme 2023. Collection method: clinical testing. Allele origin: germline. Not counted in ClinVar's aggregate classification.

Labcorp Genetics (formerly Invitae), Labcorp
Classification: Likely benign for Hereditary thrombocytopenia and hematological cancer predisposition syndrome associated with RUNX1. Last evaluated: 2023-01-18. Review status: criteria provided, single submitter. Criteria: Invitae Variant Classification Sherloc (09022015). Collection method: clinical testing. Allele origin: germline. Not counted in ClinVar's aggregate classification.